The following is an entry in ClinVar:

ClinVar aggregate classification (germline): Uncertain significance (1 of 4 stars; one submission).

gnomAD v4.1: 2 of 1,603,704 alleles (0.00012%); highest among the groups gnomAD compares: East Asian, 0.0022%; no homozygotes.

Submission:

Labcorp Genetics (formerly Invitae), Labcorp
Classification: Uncertain significance. Last evaluated: 2025-04-18. Review status: criteria provided, single submitter. Criteria: Invitae Variant Classification Sherloc (09022015). Collection method: clinical testing. Allele origin: germline.
Comment: This sequence change replaces proline, which is neutral and non-polar, with arginine, which is basic and polar, at codon 343 of the NFATC1 protein (p.Pro343Arg). This variant is not present in population databases (gnomAD no frequency). This variant has not been reported in the literature in individuals affected with NFATC1-related conditions. An algorithm developed to predict the effect of missense changes on protein structure and function (PolyPhen-2) suggests that this variant is likely to be tolerated. In summary, the available evidence is currently insufficient to determine the role of this variant in disease. Therefore, it has been classified as a Variant of Uncertain Significance.

NM_001278669.2(NFATC1):c.1028C>G (p.Pro343Arg)

Gene: NFATC1 (nuclear factor of activated T cells 1; plus strand). Cytogenetic location: 18q23.
Variant type: single nucleotide variant.
Coding change: c.1028C>G on transcript NM_001278669.2 (MANE Select); coding-DNA position 1028, C replaced by G.
Protein change: p.Pro343Arg; replaces proline 343 with arginine.
Molecular consequence: missense variant. On other transcripts: intron variant (2).
Genome position (GRCh38, 1-based): chr18:79,411,303, C>G. VCF-style: chr18-79411303-C-G. GRCh37 (hg19) VCF-style: chr18-77171303-C-G.
Other names: c.1028C>G, p.Pro343Arg (NM_001278670.2, NM_006162.5, NM_172390.3); c.989C>G, p.Pro330Arg (NM_001278672.2, NM_001278675.2, NM_172387.3 and 1 more transcripts); c.-191+14952C>G (NM_172388.3); c.-191+10824C>G (NM_001278673.2); short protein forms P343R, P330R.
Identifiers: ClinVar variation 4774085 (VCV004774085.1).
Genomic context (GRCh38, chr18:79,411,303, plus strand): 5'-GCAGCCTGGACCTGGGAGATGGCGTCCCTGTCAAGTCCCGCAAGACCACCCTGGAGCAGC[C>G]GCCCTCAGTGGCGCTCAAGGTGGAGCCCGTCGGGGAGGACCTGGGCAGCCCCCCGCCCCC-3'
Protein context (NP_001265598.1, residues 333-353): VKSRKTTLEQ[Pro343Arg]PSVALKVEPV